The following is an entry in ClinVar:

ClinVar aggregate classification (germline): Uncertain significance (1 of 4 stars; one submission).

Conditions:
Hereditary cancer-predisposing syndrome. Also called: Tumor predisposition; Neoplastic Syndromes, Hereditary; Hereditary Cancer Syndrome; Hereditary neoplastic syndrome. Identifiers: Orphanet 140162, MedGen C0027672, MeSH D009386, MONDO:0015356.

Submission:

Ambry Genetics
Classification: Uncertain significance for Hereditary cancer-predisposing syndrome. Last evaluated: 2025-01-27. Review status: criteria provided, single submitter. Criteria: Ambry Variant Classification Scheme 2023. Collection method: clinical testing. Allele origin: germline.
Comment: The p.A725S variant (also known as c.2173G>T), located in coding exon 15 of the APC gene, results from a G to T substitution at nucleotide position 2173. The alanine at codon 725 is replaced by serine, an amino acid with similar properties. This amino acid position is conserved. In addition, in silico predictors for this gene do not accurately predict pathogenicity. Based on the available evidence, the clinical significance of this variant remains unclear.

NM_000038.6(APC):c.2173G>T (p.Ala725Ser)

Gene: APC (APC regulator of Wnt signaling pathway; plus strand). Cytogenetic location: 5q22.2.
Variant type: single nucleotide variant.
Coding change: c.2173G>T on transcript NM_000038.6 (MANE Select); coding-DNA position 2173, G replaced by T.
Protein change: p.Ala725Ser; replaces alanine 725 with serine.
Molecular consequence: missense variant. On other transcripts: non-coding transcript variant (2).
Genome position (GRCh38, 1-based): chr5:112,837,767, G>T. VCF-style: chr5-112837767-G-T. GRCh37 (hg19) VCF-style: chr5-112173464-G-T.
Other names: c.2173G>T, p.Ala725Ser (NM_001127510.3, NM_001354895.2, NM_001407450.1); c.2119G>T, p.Ala707Ser (NM_001127511.3); c.2227G>T, p.Ala743Ser (NM_001354896.2, NM_001407447.1, NM_001407448.1 and 1 more transcripts); c.2203G>T, p.Ala735Ser (NM_001354897.2); c.2098G>T, p.Ala700Ser (NM_001354898.2); c.2089G>T, p.Ala697Ser (NM_001354899.2); c.2050G>T, p.Ala684Ser (NM_001354900.2); c.1996G>T, p.Ala666Ser (NM_001354901.2, NM_001407453.1); and 11 more; short protein forms A743S, A341S, A596S, A718S, A725S, A735S, A442S, A565S.
Identifiers: ClinVar variation 3882046 (VCV003882046.1).